The following is an entry in ClinVar:

ClinVar aggregate classification (germline): Uncertain significance (1 of 4 stars; one submission).

Allele frequency attached by ClinVar (database versions not stated): ExAC 0.00001; gnomAD 0.00003; TOPMed 0.00003.
gnomAD v4.1: 12 of 1,613,060 alleles (0.00074%); highest among the groups gnomAD compares: African/African-American, 0.0053%; no homozygotes.

Submission:

Labcorp Genetics (formerly Invitae), Labcorp
Classification: Uncertain significance. Last evaluated: 2022-07-27. Review status: criteria provided, single submitter. Criteria: Invitae Variant Classification Sherloc (09022015). Collection method: clinical testing. Allele origin: germline.
Comment: In summary, the available evidence is currently insufficient to determine the role of this variant in disease. Therefore, it has been classified as a Variant of Uncertain Significance. Algorithms developed to predict the effect of sequence changes on RNA splicing suggest that this variant may create or strengthen a splice site. Algorithms developed to predict the effect of missense changes on protein structure and function are either unavailable or do not agree on the potential impact of this missense change (SIFT: "Not Available"; PolyPhen-2: "Possibly Damaging"; Align-GVGD: "Not Available"). This variant has not been reported in the literature in individuals affected with FBN3-related conditions. This variant is present in population databases (rs751149718, gnomAD 0.003%). This sequence change replaces glycine, which is neutral and non-polar, with serine, which is neutral and polar, at codon 1040 of the FBN3 protein (p.Gly1040Ser).

NM_032447.5(FBN3):c.3118G>A (p.Gly1040Ser)

Gene: FBN3 (fibrillin 3; minus strand). Cytogenetic location: 19p13.2.
Variant type: single nucleotide variant.
Coding change: c.3118G>A on transcript NM_032447.5 (MANE Select); coding-DNA position 3118, G replaced by A.
Protein change: p.Gly1040Ser; replaces glycine 1040 with serine.
Molecular consequence: missense variant.
Genome position (GRCh38, 1-based): chr19:8,121,351, C>T on the plus strand (G>A on the coding strand, the complement: FBN3 is on the minus strand). VCF-style: chr19-8121351-C-T. GRCh37 (hg19) VCF-style: chr19-8186235-C-T.
Other names: c.3118G>A, p.Gly1040Ser (NM_001321431.2); short protein forms G1040S.
Identifiers: ClinVar variation 1943251 (VCV001943251.4), dbSNP rs751149718, ClinGen allele CA9152566.